The following is an entry in ClinVar:

NM_000548.5(TSC2):c.255C>T (p.Val85=)

Gene: TSC2 (TSC complex subunit 2; plus strand). Cytogenetic location: 16p13.3.
Variant type: single nucleotide variant.
Coding change: c.255C>T on transcript NM_000548.5 (MANE Select); coding-DNA position 255, C replaced by T.
Protein change: p.Val85=; no amino-acid change (valine 85 retained).
Molecular consequence: synonymous variant. On other transcripts: intron variant (2).
Genome position (GRCh38, 1-based): chr16:2,053,371, C>T. VCF-style: chr16-2053371-C-T. GRCh37 (hg19) VCF-style: chr16-2103372-C-T.
Other names: p.V85V:GTC>GTT; c.255C>T (NM_000548.4); c.255C>T, p.Val85= (NM_001077183.3, NM_001114382.3, NM_001363528.2 and 3 more transcripts); c.108C>T, p.Val36= (NM_001318829.2); c.288C>T, p.Val96= (NM_001318832.2); c.226-925C>T (NM_001318827.2); c.-1-2825C>T (NM_001318831.2).
Identifiers: ClinVar variation 49572 (VCV000049572.81), dbSNP rs45517098, ClinGen allele CA017667.

ClinVar aggregate classification (germline): Benign/Likely benign. Review status: criteria provided, multiple submitters, no conflicts (2 of 4 stars). 25 submissions from 25 submitters: Benign (16); Likely benign (5). 4 of the submissions do not count toward it. Last evaluated 2026-09-01.

Conditions:
Tuberous sclerosis 2 (TSC2). Identifiers: Orphanet 805, MedGen C1860707, MONDO:0013199, OMIM 613254.
Lymphangiomyomatosis (LAM). Also called: Lymphangioleiomyomatosis; Lymphangioleiomyomatosis, somatic. Identifiers: Orphanet 538, MedGen C0751674, MONDO:0011705, OMIM 606690.
Isolated focal cortical dysplasia type II (FCORD2). Also called: Focal cortical dysplasia type II; CORTICAL DYSPLASIA OF TAYLOR. Identifiers: Orphanet 268994, MedGen C1846385, MONDO:0011818, OMIM 607341, HP:0032051.
Hereditary cancer-predisposing syndrome. Also called: Neoplastic Syndromes, Hereditary; Tumor predisposition; Hereditary Cancer Syndrome; Hereditary neoplastic syndrome. Identifiers: Orphanet 140162, MedGen C0027672, MeSH D009386, MONDO:0015356.
Tuberous sclerosis syndrome (TSC). Also called: Tuberous Sclerosis Complex; Tuberous sclerosis. Identifiers: Orphanet 805, MedGen C0041341, MONDO:0001734.

Allele frequency attached by ClinVar (database versions not stated): 1000 Genomes Project 30x 0.00125; ESP Exome Variant Server 0.00139; ExAC 0.00269; gnomAD 0.00077 and 0.00082; TOPMed 0.00087; 1000 Genomes Project 0.00100; gnomAD exomes 0.00118.
gnomAD v4.1: 1,976 of 1,590,176 alleles (0.12%); highest among the groups gnomAD compares: Middle Eastern, 0.18%; 4 homozygotes.

Submissions (25):

CeGaT Center for Human Genetics Tuebingen
Classification: Likely benign. Last evaluated: 2026-09-01. Review status: criteria provided, single submitter. Criteria: CeGaT Center For Human Genetics Tuebingen Variant Classification Criteria Version 2. Collection method: clinical testing. Allele origin: germline. Affected: yes. Observed: 47 variant alleles.
Comment: TSC2: BP4, BP7, BS1

Labcorp Genetics (formerly Invitae), Labcorp
Classification: Benign for Tuberous sclerosis 2. Last evaluated: 2026-02-04. Review status: criteria provided, single submitter. Criteria: Invitae Variant Classification Sherloc (09022015). Collection method: clinical testing. Allele origin: germline.

Myriad Genetics, Inc.
Classification: Benign for Tuberous sclerosis 2. Last evaluated: 2025-05-02. Review status: criteria provided, single submitter. Criteria: Myriad Autosomal Dominant, Autosomal Recessive and X-Linked Classification Criteria (2023). Collection method: clinical testing. Allele origin: unknown.
Comment: This variant is considered benign. This variant is a silent/synonymous amino acid change and it is not expected to impact splicing.

ARUP Laboratories, Molecular Genetics and Genomics, ARUP Laboratories
Classification: Benign. Last evaluated: 2025-03-05. Review status: criteria provided, single submitter. Criteria: ARUP Molecular Germline Variant Investigation Process 2024. Collection method: clinical testing. Allele origin: germline.

Blueprint Genetics
Classification: Benign. Last evaluated: 2024-11-27. Review status: criteria provided, single submitter. Criteria: ACMG Guidelines, 2015. Collection method: clinical testing. Allele origin: germline.

All of Us Research Program, National Institutes of Health
Classification: Benign for Tuberous sclerosis syndrome. Last evaluated: 2024-02-05. Review status: criteria provided, single submitter. Criteria: ACMG Guidelines, 2015. Collection method: clinical testing. Allele origin: germline. Inheritance: Autosomal dominant inheritance. Observed: 299 variant alleles, 299 heterozygotes.
Comment: This study involves interpretation of variants in research participants for the purpose of population health screening. Participant phenotype was not available at the time of variant classification. Additional details can be found in publication PMID: 35346344, PMCID: PMC8962531

KCCC/NGS Laboratory, Kuwait Cancer Control Center
Classification: Benign for Tuberous sclerosis 2. Last evaluated: 2023-07-07. Review status: criteria provided, single submitter. Criteria: ACMG Guidelines, 2015. Collection method: clinical testing. Allele origin: germline. Affected: yes.

Color Diagnostics, LLC DBA Color Health
Classification: Benign for Tuberous sclerosis syndrome. Last evaluated: 2022-09-16. Review status: criteria provided, single submitter. Criteria: ACMG Guidelines, 2015. Collection method: clinical testing. Allele origin: germline.

Genome-Nilou Lab
Classification: Benign for Tuberous sclerosis 2. Last evaluated: 2021-11-07. Review status: criteria provided, single submitter. Criteria: ACMG Guidelines, 2015. Collection method: clinical testing. Allele origin: germline. Affected: no.

Department of Pathology and Laboratory Medicine, Sinai Health System
Classification: Likely benign for Lymphangiomyomatosis; Isolated focal cortical dysplasia type II; Tuberous sclerosis 2. Last evaluated: 2021-10-13. Review status: criteria provided, single submitter. Criteria: ACMG Guidelines, 2015. Collection method: clinical testing. Allele origin: germline. Affected: yes.

Quest Diagnostics Nichols Institute San Juan Capistrano
Classification: Benign. Last evaluated: 2021-08-14. Review status: criteria provided, single submitter. Criteria: Quest Diagnostics criteria. Collection method: clinical testing. Allele origin: unknown.

Sema4
Classification: Benign for Hereditary cancer-predisposing syndrome. Last evaluated: 2020-10-30. Review status: criteria provided, single submitter. Criteria: Sema4 Curation Guidelines. Collection method: curation. Allele origin: germline.

Women's Health and Genetics/Laboratory Corporation of America, LabCorp
Classification: Benign. Last evaluated: 2018-10-08. Review status: criteria provided, single submitter. Criteria: LabCorp Variant Classification Summary - May 2015. Collection method: clinical testing. Allele origin: germline.
Comment: Variant summary: TSC2 c.255C>T alters a non-conserved nucleotide resulting in a synonymous change. 5/5 computational tools predict no significant impact on normal splicing. However, these predictions have yet to be confirmed by functional studies. The variant allele was found at a frequency of 0.0011 in 235020 control chromosomes (gnomAD). The observed variant frequency is approximately 16-folds higher than the estimated maximal expected allele frequency for a pathogenic variant in TSC2 causing Tuberous Sclerosis Complex phenotype (6.9e-05), strongly suggesting that the variant is benign. To our knowledge, no occurrence of c.255C>T in individuals affected with Tuberous Sclerosis Complex and no experimental evidence demonstrating its impact on protein function have been reported. Four ClinVar submissions from clinical diagnostic laboratories (evaluation after 2014) cites the variant as likely benign/benign. Based on the evidence outlined above, the variant was classified as benign.

Illumina Laboratory Services, Illumina
Classification: Benign for Tuberous sclerosis syndrome. Last evaluated: 2018-01-13. Review status: criteria provided, single submitter. Criteria: ICSL Variant Classification Criteria 13 December 2019. Collection method: clinical testing. Allele origin: germline.
Comment: This variant was observed in the ICSL laboratory as part of a predisposition screen in an ostensibly healthy population. It had not been previously curated by ICSL or reported in the Human Gene Mutation Database (HGMD: prior to June 1st, 2018), and was therefore a candidate for classification through an automated scoring system. Utilizing variant allele frequency, disease prevalence and penetrance estimates, and inheritance mode, an automated score was calculated to assess if this variant is too frequent to cause the disease. Based on the score and internal cut-off values, a variant classified as benign is not then subjected to further curation. The score for this variant resulted in a classification of benign for this disease.

Athena Diagnostics
Classification: Benign for Tuberous sclerosis 2. Last evaluated: 2017-05-30. Review status: criteria provided, single submitter. Criteria: Athena Diagnostics Criteria. Collection method: clinical testing. Allele origin: germline.

Eurofins Ntd Llc (ga)
Classification: Benign. Last evaluated: 2016-02-12. Review status: criteria provided, single submitter. Criteria: EGL Classification Definitions 2015. Collection method: clinical testing. Allele origin: germline. Observed: 1 variant allele, 1 heterozygote.

Ambry Genetics
Classification: Likely benign for Hereditary cancer-predisposing syndrome. Last evaluated: 2014-10-07. Review status: criteria provided, single submitter. Criteria: Ambry Variant Classification Scheme 2023. Collection method: clinical testing. Allele origin: germline.

GeneDx
Classification: Benign. Last evaluated: 2013-04-01. Review status: criteria provided, single submitter. Criteria: GeneDx Variant Classification (06012015). Collection method: clinical testing. Allele origin: germline. Affected: yes.
Comment: This variant is considered likely benign or benign based on one or more of the following criteria: it is a conservative change, it occurs at a poorly conserved position in the protein, it is predicted to be benign by multiple in silico algorithms, and/or has population frequency not consistent with disease.

Laboratory for Molecular Medicine, Mass General Brigham Personalized Medicine
Classification: Likely benign. Last evaluated: 2013-02-21. Review status: criteria provided, single submitter. Criteria: LMM Criteria. Collection method: clinical testing. Allele origin: germline. Observed: 1 variant allele.
Comment: Val85Val in exon 4 of TSC2: This variant is not expected to have clinical significance because it does not alter an amino acid residue and is not located within the splice consensus sequence. It has been identified in 0.2% (16/8582) of European American chromosomes from a broad population by the NHLBI Exome Sequencing Project (dbSNP rs45517098).

Breakthrough Genomics
Classification: Likely benign. Review status: criteria provided, single submitter. Criteria: ACMG Guidelines, 2015. Collection method: not provided. Allele origin: germline. Inheritance: Autosomal dominant inheritance. Affected: yes.

PreventionGenetics, part of Exact Sciences
Classification: Benign. Review status: criteria provided, single submitter. Criteria: ACMG Guidelines, 2015. Collection method: clinical testing. Allele origin: germline.

Clinical Genetics DNA and cytogenetics Diagnostics Lab, Erasmus MC, Erasmus Medical Center
Classification: Benign. Review status: no assertion criteria provided. Collection method: clinical testing. Allele origin: germline. Affected: yes. Study: VKGL Data-share Consensus. Not counted in ClinVar's aggregate classification.

Clinical Genetics, Academic Medical Center
Classification: Likely benign. Review status: no assertion criteria provided. Collection method: clinical testing. Allele origin: germline. Affected: yes. Study: VKGL Data-share Consensus. Not counted in ClinVar's aggregate classification.

Laboratory of Diagnostic Genome Analysis, Leiden University Medical Center (LUMC)
Classification: Likely benign. Review status: no assertion criteria provided. Collection method: clinical testing. Allele origin: germline. Affected: yes. Study: VKGL Data-share Consensus. Not counted in ClinVar's aggregate classification.

Tuberous sclerosis database (TSC2)
No classification provided. Condition: TSC. Review status: no classification provided. Criteria: Tuberous Sclerosis Database Assertion Criteria 2015. Collection method: curation. Allele origin: germline. Affected: yes. Not counted in ClinVar's aggregate classification.

Literature cited by the submitters: PubMed 10732801 (cited by Quest Diagnostics Nichols Institute San Juan Capistrano); PubMed 10735580 (cited by Quest Diagnostics Nichols Institute San Juan Capistrano).